The following is an entry in ClinVar:

ClinVar aggregate classification (germline): Likely benign (1 of 4 stars; one submission).

Submission:

CeGaT Center for Human Genetics Tuebingen
Classification: Likely benign. Last evaluated: 2026-08-01. Review status: criteria provided, single submitter. Criteria: CeGaT Center For Human Genetics Tuebingen Variant Classification Criteria Version 2. Collection method: clinical testing. Allele origin: germline. Affected: yes. Observed: 1 variant allele.
Comment: KIF1A: PM2:Supporting, BP4, BP7

NM_001244008.2(KIF1A):c.520C>T (p.Leu174=)

Gene: KIF1A (kinesin family member 1A; minus strand). Cytogenetic location: 2q37.3.
Variant type: single nucleotide variant.
Coding change: c.520C>T on transcript NM_001244008.2 (MANE Select); coding-DNA position 520, C replaced by T.
Protein change: p.Leu174=; no amino-acid change (leucine 174 retained).
Molecular consequence: synonymous variant.
Genome position (GRCh38, 1-based): chr2:240,786,423, G>A on the plus strand (C>T on the coding strand, the complement: KIF1A is on the minus strand). VCF-style: chr2-240786423-G-A. GRCh37 (hg19) VCF-style: chr2-241725840-G-A.
Other names: c.520C>T, p.Leu174= (NM_001320705.2, NM_001330289.2, NM_001330290.2 and 20 more transcripts).
Identifiers: ClinVar variation 5040713 (VCV005040713.1).